The following is an entry in ClinVar:

ClinVar aggregate classification (germline): Pathogenic/Likely pathogenic. Review status: criteria provided, multiple submitters, no conflicts (2 of 4 stars). 2 submissions from 2 submitters: Pathogenic (1); Likely pathogenic (1). Last evaluated 2023-09-20.

Conditions:
Fanconi anemia complementation group E (FANCE). Also called: FANCE-Related Fanconi Anemia. Identifiers: Orphanet 84, MedGen C3160739, MONDO:0010953, OMIM 600901.

Allele frequency attached by ClinVar (database versions not stated): gnomAD exomes below 0.00001; TOPMed below 0.00001.
gnomAD v4.1: 5 of 1,251,794 alleles (0.0004%); highest among the groups gnomAD compares: Non-Finnish European, 0.0005%; no homozygotes.

Submissions (2):

Baylor Genetics
Classification: Likely pathogenic for Fanconi anemia complementation group E. Last evaluated: 2023-09-20. Review status: criteria provided, single submitter. Criteria: ACMG Guidelines, 2015. Collection method: clinical testing. Allele origin: unknown.

Labcorp Genetics (formerly Invitae), Labcorp
Classification: Pathogenic for Fanconi anemia complementation group E. Last evaluated: 2023-05-22. Review status: criteria provided, single submitter. Criteria: Invitae Variant Classification Sherloc (09022015). Collection method: clinical testing. Allele origin: germline.
Comment: This sequence change creates a premature translational stop signal (p.Gln34*) in the FANCE gene. It is expected to result in an absent or disrupted protein product. Loss-of-function variants in FANCE are known to be pathogenic (PMID: 11001585, 17924555). This variant is present in population databases (no rsID available, gnomAD 0.007%). This variant has not been reported in the literature in individuals affected with FANCE-related conditions. For these reasons, this variant has been classified as Pathogenic.

Literature cited by the submitters: PubMed 11001585 (cited by Labcorp Genetics (formerly Invitae), Labcorp); PubMed 17924555 (cited by Labcorp Genetics (formerly Invitae), Labcorp).

NM_021922.3(FANCE):c.100C>T (p.Gln34Ter)

Genes: FANCE (FA complementation group E; plus strand), LOC129996245 (ATAC-STARR-seq lymphoblastoid silent region 17092; plus strand). Cytogenetic location: 6p21.31.
Variant type: single nucleotide variant.
Coding change: c.100C>T on transcript NM_021922.3 (MANE Select); coding-DNA position 100, C replaced by T.
Protein change: p.Gln34Ter; replaces glutamine 34 with a stop codon.
Molecular consequence: nonsense.
Genome position (GRCh38, 1-based): chr6:35,452,645, C>T. VCF-style: chr6-35452645-C-T. GRCh37 (hg19) VCF-style: chr6-35420422-C-T.
Other names: c.100C>T, p.Gln34Ter (NM_001410876.1); short protein forms Q34*.
Identifiers: ClinVar variation 2675533 (VCV002675533.4), dbSNP rs1324357775, ClinGen allele CA363770137.